The following is an entry in ClinVar:

ClinVar aggregate classification (germline): Uncertain significance (1 of 4 stars; one submission).

Conditions:
Singleton-Merten syndrome 1 (SGMRT1). Also called: Widened medullary cavities of bone, aortic calcification, abnormal dentition, and muscular weakness; Syndrome of widened medullary cavities of the metacarpals and phalanges, aortic calcification and abnormal dentition. Identifiers: Orphanet 85191, MedGen C4225427, MONDO:0024535, OMIM 182250.
Aicardi-Goutieres syndrome 7 (AGS7). Identifiers: Orphanet 51, MedGen C3888244, MONDO:0014367, OMIM 615846.

Allele frequency attached by ClinVar (database versions not stated): gnomAD exomes below 0.00001; TOPMed below 0.00001; gnomAD 0.00001.
gnomAD v4.1: 2 of 1,613,712 alleles (0.00012%); highest among the groups gnomAD compares: Non-Finnish European, 0.00017%; no homozygotes.

Submission:

Labcorp Genetics (formerly Invitae), Labcorp
Classification: Uncertain significance for Aicardi-Goutieres syndrome 7; Singleton-Merten syndrome 1. Last evaluated: 2023-05-23. Review status: criteria provided, single submitter. Criteria: Invitae Variant Classification Sherloc (09022015). Collection method: clinical testing. Allele origin: germline.
Comment: In summary, the available evidence is currently insufficient to determine the role of this variant in disease. Therefore, it has been classified as a Variant of Uncertain Significance. Algorithms developed to predict the effect of missense changes on protein structure and function output the following: SIFT: "Not Available"; PolyPhen-2: "Benign"; Align-GVGD: "Not Available". The alanine amino acid residue is found in multiple mammalian species, which suggests that this missense change does not adversely affect protein function. This sequence change replaces aspartic acid, which is acidic and polar, with alanine, which is neutral and non-polar, at codon 201 of the IFIH1 protein (p.Asp201Ala). This variant is not present in population databases (gnomAD no frequency). This variant has not been reported in the literature in individuals affected with IFIH1-related conditions.

NM_022168.4(IFIH1):c.602A>C (p.Asp201Ala)

Gene: IFIH1 (interferon induced with helicase C domain 1; minus strand). Cytogenetic location: 2q24.2.
Variant type: single nucleotide variant.
Coding change: c.602A>C on transcript NM_022168.4 (MANE Select); coding-DNA position 602, A replaced by C.
Protein change: p.Asp201Ala; replaces aspartic acid 201 with alanine.
Molecular consequence: missense variant.
Genome position (GRCh38, 1-based): chr2:162,310,785, T>G on the plus strand (A>C on the coding strand, the complement: IFIH1 is on the minus strand). VCF-style: chr2-162310785-T-G. GRCh37 (hg19) VCF-style: chr2-163167295-T-G.
Other names: short protein forms D201A.
Identifiers: ClinVar variation 2948139 (VCV002948139.3), dbSNP rs1395607729, ClinGen allele CA349010628.